The following is an entry in ClinVar:

NM_016222.4(DDX41):c.1715C>T (p.Ser572Phe)

Gene: DDX41 (DEAD-box helicase 41; minus strand). Cytogenetic location: 5q35.3.
Variant type: single nucleotide variant.
Coding change: c.1715C>T on transcript NM_016222.4 (MANE Select); coding-DNA position 1715, C replaced by T.
Protein change: p.Ser572Phe; replaces serine 572 with phenylalanine.
Molecular consequence: missense variant.
Genome position (GRCh38, 1-based): chr5:177,512,113, G>A on the plus strand (C>T on the coding strand, the complement: DDX41 is on the minus strand). VCF-style: chr5-177512113-G-A. GRCh37 (hg19) VCF-style: chr5-176939114-G-A.
Other names: c.1337C>T, p.Ser446Phe (NM_001321732.2, NM_001321830.2); short protein forms S446F, S572F.
Identifiers: ClinVar variation 4617182 (VCV004617182.1).
Genomic context (GRCh38, chr5:177,512,113, plus strand): 5'-CCACCTGCCGGCTGGGGACTCGGGGATCCCGCTCTGCAGTCACCTCCAATGTCCAGCATG[G>A]ACTCATCCCCGCAATGCAGCACCTGCAGCACGGGCGGCACCTTCTGCTTGGCTTCTAGCA-3'
Protein context (NP_057306.2, residues 562-582): VLQVLHCGDE[Ser572Phe]MLDIGGERGC

ClinVar aggregate classification (germline): Uncertain significance (1 of 4 stars; one submission).

Conditions:
Inborn genetic diseases. Identifiers: MedGen C0950123, MeSH D030342.

Submission:

Ambry Genetics
Classification: Uncertain significance for Inborn genetic diseases. Last evaluated: 2025-11-04. Review status: criteria provided, single submitter. Criteria: Ambry Variant Classification Scheme 2023. Collection method: clinical testing. Allele origin: germline.
Comment: The p.S572F variant (also known as c.1715C>T), located in coding exon 16 of the DDX41 gene, results from a C to T substitution at nucleotide position 1715. The serine at codon 572 is replaced by phenylalanine, an amino acid with highly dissimilar properties. This amino acid position is conserved. In addition, this alteration is predicted to be tolerated by in silico analysis. Based on the available evidence, the clinical significance of this variant remains unclear.